The following is an entry in ClinVar:

ClinVar aggregate classification (germline): Uncertain significance (1 of 4 stars; one submission).

Conditions:
Developmental and epileptic encephalopathy 94 (DEE94). Also called: CHD2-Related Neurodevelopmental Disorders; Epileptic encephalopathy, childhood-onset. Identifiers: Orphanet 1942, Orphanet 2382, MedGen C3809278, MONDO:0014150, OMIM 615369.

Submission:

Labcorp Genetics (formerly Invitae), Labcorp
Classification: Uncertain significance for Developmental and epileptic encephalopathy 94. Last evaluated: 2020-10-16. Review status: criteria provided, single submitter. Criteria: Invitae Variant Classification Sherloc (09022015). Collection method: clinical testing. Allele origin: germline.
Comment: This sequence change replaces arginine with histidine at codon 1158 of the CHD2 protein (p.Arg1158His). The arginine residue is highly conserved and there is a small physicochemical difference between arginine and histidine. This variant is not present in population databases (ExAC no frequency). This variant has not been reported in the literature in individuals with CHD2-related conditions. Advanced modeling of protein sequence and biophysical properties (such as structural, functional, and spatial information, amino acid conservation, physicochemical variation, residue mobility, and thermodynamic stability) performed at Invitae indicates that this missense variant is not expected to disrupt CHD2 protein function. In summary, the available evidence is currently insufficient to determine the role of this variant in disease. Therefore, it has been classified as a Variant of Uncertain Significance.

NM_001271.4(CHD2):c.3473G>A (p.Arg1158His)

Gene: CHD2 (chromodomain helicase DNA binding protein 2; plus strand). Cytogenetic location: 15q26.1.
Variant type: single nucleotide variant.
Coding change: c.3473G>A on transcript NM_001271.4 (MANE Select); coding-DNA position 3473, G replaced by A.
Protein change: p.Arg1158His; replaces arginine 1158 with histidine.
Molecular consequence: missense variant.
Genome position (GRCh38, 1-based): chr15:92,992,876, G>A. VCF-style: chr15-92992876-G-A. GRCh37 (hg19) VCF-style: chr15-93536106-G-A.
Other names: short protein forms R1158H.
Identifiers: ClinVar variation 1018045 (VCV001018045.9), dbSNP rs2054139096, ClinGen allele CA393896554.